The following is an entry in ClinVar:

NM_000059.4(BRCA2):c.3523C>G (p.Gln1175Glu)

Gene: BRCA2 (BRCA2 DNA repair associated; plus strand). Cytogenetic location: 13q13.1.
Variant type: single nucleotide variant.
Coding change: c.3523C>G on transcript NM_000059.4 (MANE Select); coding-DNA position 3523, C replaced by G.
Protein change: p.Gln1175Glu; replaces glutamine 1175 with glutamic acid.
Molecular consequence: missense variant.
Genome position (GRCh38, 1-based): chr13:32,337,878, C>G. VCF-style: chr13-32337878-C-G. GRCh37 (hg19) VCF-style: chr13-32912015-C-G.
Other names: c.3523C>G, p.Gln1175Glu (NM_001406719.1, NM_001406720.1); short protein forms Q1175E.
Identifiers: ClinVar variation 1732287 (VCV001732287.4), dbSNP rs886040480, ClinGen allele CA387777063.

ClinVar aggregate classification (germline): Conflicting classifications of pathogenicity. Review status: criteria provided, conflicting classifications (1 of 4 stars). 2 submissions from 2 submitters: Uncertain significance (1); Likely benign (1). Last evaluated 2023-03-23.

Conditions:
Hereditary cancer-predisposing syndrome. Also called: Neoplastic Syndromes, Hereditary; Tumor predisposition; Hereditary Cancer Syndrome; Hereditary neoplastic syndrome. Identifiers: Orphanet 140162, MedGen C0027672, MeSH D009386, MONDO:0015356.

Submissions (2):

University of Washington Department of Laboratory Medicine, University of Washington
Classification: Likely benign for Hereditary cancer-predisposing syndrome. Last evaluated: 2023-03-23. Review status: criteria provided, single submitter. Criteria: Dines et al. (Genet Med. 2020). Collection method: curation. Allele origin: germline.
Comment: Missense variant in a coldspot region where missense variants are very unlikely to be pathogenic (PMID:31911673).

BRCA2 exon 11 coldspot. Reclassification based on statistical prior probability.

Ambry Genetics
Classification: Uncertain significance for Hereditary cancer-predisposing syndrome. Last evaluated: 2017-10-19. Review status: criteria provided, single submitter. Criteria: Ambry Variant Classification Scheme 2023. Collection method: clinical testing. Allele origin: germline.
Comment: The p.Q1175E variant (also known as c.3523C>G), located in coding exon 10 of the BRCA2 gene, results from a C to G substitution at nucleotide position 3523. The glutamine at codon 1175 is replaced by glutamic acid, an amino acid with highly similar properties. This amino acid position is not well conserved in available vertebrate species. In addition, this alteration is predicted to be tolerated by in silico analysis. Since supporting evidence is limited at this time, the clinical significance of this alteration remains unclear.